The following is an entry in ClinVar:

NM_021044.4(DHH):c.1134T>A (p.Thr378=)

Gene: DHH (desert hedgehog signaling molecule; minus strand). Cytogenetic location: 12q13.12.
Variant type: single nucleotide variant.
Coding change: c.1134T>A on transcript NM_021044.4 (MANE Select); coding-DNA position 1134, T replaced by A.
Protein change: p.Thr378=; no amino-acid change (threonine 378 retained).
Molecular consequence: synonymous variant.
Genome position (GRCh38, 1-based): chr12:49,089,916, A>T on the plus strand (T>A on the coding strand, the complement: DHH is on the minus strand). VCF-style: chr12-49089916-A-T. GRCh37 (hg19) VCF-style: chr12-49483699-A-T.
Other names: p.Thr378=.
Identifiers: ClinVar variation 309098 (VCV000309098.17), dbSNP rs144444357, ClinGen allele CA6549076.

ClinVar aggregate classification (germline): Conflicting classifications of pathogenicity. Review status: criteria provided, conflicting classifications (1 of 4 stars). 4 submissions from 4 submitters: Uncertain significance (1); Likely benign (3). Last evaluated 2025-08-19.

Conditions:
46,XY sex reversal 7. Also called: GONADAL DYSGENESIS, XY, MALE-LIMITED; 46,XY SEX REVERSAL, PARTIAL OR COMPLETE, DHH-RELATED; 46,XY GONADAL DYSGENESIS, PARTIAL OR COMPLETE, DHH-RELATED; DHH-Related 46,XY complete gonadal dysgenesis. Identifiers: Orphanet 242, MedGen C1856273, MONDO:0009301, OMIM 233420.

Allele frequency attached by ClinVar (database versions not stated): 1000 Genomes Project 0.00020; ESP Exome Variant Server 0.00023; 1000 Genomes Project 30x 0.00031; gnomAD exomes 0.00048; gnomAD 0.00050 and 0.00053; ExAC 0.00062; TOPMed 0.00082.
gnomAD v4.1: 518 of 1,592,258 alleles (0.033%); highest among the groups gnomAD compares: Middle Eastern, 0.45%; 2 homozygotes.

Submissions (4):

Labcorp Genetics (formerly Invitae), Labcorp
Classification: Likely benign for 46,XY sex reversal 7. Last evaluated: 2025-08-19. Review status: criteria provided, single submitter. Criteria: Invitae Variant Classification Sherloc (09022015). Collection method: clinical testing. Allele origin: germline.

Mayo Clinic Laboratories, Mayo Clinic
Classification: Likely benign. Last evaluated: 2025-04-29. Review status: criteria provided, single submitter. Criteria: ACMG Guidelines, 2015. Collection method: clinical testing. Allele origin: germline. Observed: 3 variant alleles.
Comment: BS1, BP4, BP7

Blueprint Genetics
Classification: Likely benign. Last evaluated: 2024-11-25. Review status: criteria provided, single submitter. Criteria: ACMG Guidelines, 2015. Collection method: clinical testing. Allele origin: germline.

Illumina Laboratory Services, Illumina
Classification: Uncertain significance for 46,XY gonadal dysgenesis, complete, dhh-related. Last evaluated: 2018-01-13. Review status: criteria provided, single submitter. Criteria: ICSL Variant Classification Criteria 13 December 2019. Collection method: clinical testing. Allele origin: germline.